The following is an entry in ClinVar:

ClinVar aggregate classification (germline): Likely pathogenic (1 of 4 stars; one submission).

Submission:

Labcorp Genetics (formerly Invitae), Labcorp
Classification: Likely pathogenic. Last evaluated: 2022-03-24. Review status: criteria provided, single submitter. Criteria: Invitae Variant Classification Sherloc (09022015). Collection method: clinical testing. Allele origin: germline.
Comment: In summary, the currently available evidence indicates that the variant is pathogenic, but additional data are needed to prove that conclusively. Therefore, this variant has been classified as Likely Pathogenic. This variant has not been reported in the literature in individuals affected with TBCK-related conditions. This variant results in the deletion of exons 8-22 and part of exon 7 (c.609_2059+4408delins15) of the TBCK gene. It is expected to disrupt RNA splicing. Variants that disrupt the donor or acceptor splice site typically lead to a loss of protein function (PMID: 16199547), and loss-of-function variants in TBCK are known to be pathogenic (PMID: 27040692, 30103036).

Literature cited by the submitters: PubMed 16199547; PubMed 27040692; PubMed 30103036.

NC_000004.11:g.(?_107110358)_(107171624_?)del

Gene: TBCK (TBC1 domain containing kinase; minus strand). Cytogenetic location: 4q24.
Variant type: Deletion.
Identifiers: ClinVar variation 2423899 (VCV002423899.4).